The following is an entry in ClinVar:

ClinVar aggregate classification (germline): Conflicting classifications of pathogenicity. Review status: criteria provided, conflicting classifications (1 of 4 stars). 2 submissions from 2 submitters: Uncertain significance (1); Likely benign (1). Last evaluated 2025-09-27.

Conditions:
Hereditary cancer-predisposing syndrome. Also called: Neoplastic Syndromes, Hereditary; Hereditary neoplastic syndrome; Tumor predisposition; Hereditary Cancer Syndrome. Identifiers: Orphanet 140162, MedGen C0027672, MeSH D009386, MONDO:0015356.
Hereditary diffuse gastric adenocarcinoma (HDGC). Also called: DIFFUSE GASTRIC AND LOBULAR BREAST CANCER SYNDROME. Identifiers: Orphanet 26106, MedGen C1708349, MONDO:0007648, OMIM 137215.

Submissions (2):

Ambry Genetics
Classification: Likely benign for Hereditary cancer-predisposing syndrome. Last evaluated: 2025-09-27. Review status: criteria provided, single submitter. Criteria: Ambry Variant Classification Scheme 2023. Collection method: clinical testing. Allele origin: germline.

Labcorp Genetics (formerly Invitae), Labcorp
Classification: Uncertain significance for Hereditary diffuse gastric adenocarcinoma. Last evaluated: 2019-01-20. Review status: criteria provided, single submitter. Criteria: Invitae Variant Classification Sherloc (09022015). Collection method: clinical testing. Allele origin: germline.
Comment: In summary, the available evidence is currently insufficient to determine the role of this variant in disease. Therefore, it has been classified as a Variant of Uncertain Significance. Algorithms developed to predict the effect of missense changes on protein structure and function output the following: SIFT: "Tolerated"; PolyPhen-2: "Benign"; Align-GVGD: "Class C0". The alanine amino acid residue is found in multiple mammalian species, suggesting that this missense change does not adversely affect protein function. These predictions have not been confirmed by published functional studies and their clinical significance is uncertain. This variant has not been reported in the literature in individuals with CDH1-related conditions. This variant is not present in population databases (ExAC no frequency). This sequence change replaces valine with alanine at codon 460 of the CDH1 protein (p.Val460Ala). The valine residue is weakly conserved and there is a small physicochemical difference between valine and alanine.

NM_004360.5(CDH1):c.1379T>C (p.Val460Ala)

Gene: CDH1 (cadherin 1; plus strand). Cytogenetic location: 16q22.1.
Variant type: single nucleotide variant.
Coding change: c.1379T>C on transcript NM_004360.5 (MANE Select); coding-DNA position 1379, T replaced by C.
Protein change: p.Val460Ala; replaces valine 460 with alanine.
Molecular consequence: missense variant. On other transcripts: 5 prime UTR variant (2).
Genome position (GRCh38, 1-based): chr16:68,815,573, T>C. VCF-style: chr16-68815573-T-C. GRCh37 (hg19) VCF-style: chr16-68849476-T-C.
Other names: c.1196T>C, p.Val399Ala (NM_001317184.2); c.-170T>C (NM_001317185.2); c.-441T>C (NM_001317186.2); short protein forms V460A, V399A.
Identifiers: ClinVar variation 843917 (VCV000843917.11), dbSNP rs1960960367, ClinGen allele CA396462840.
Genomic context (GRCh38, chr16:68,815,573, plus strand): 5'-AGGGCTTGGATTTTGAGGCCAAGCAGCAGTACATTCTACACGTAGCAGTGACGAATGTGG[T>C]ACCTTTTGAGGTCTCTCTCACCACCTCCACAGCCACCGTCACCGTGGATGTGCTGGATGT-3'
Protein context (NP_004351.1, residues 450-470): YILHVAVTNV[Val460Ala]PFEVSLTTST